The following is an entry in ClinVar:

ClinVar aggregate classification (germline): Likely benign. Review status: criteria provided, multiple submitters, no conflicts (2 of 4 stars). 2 submissions from 2 submitters: Likely benign (2). Last evaluated 2023-12-01.

Allele frequency attached by ClinVar (database versions not stated): gnomAD 0.00003; TOPMed 0.00003.
gnomAD v4.1: 63 of 1,550,572 alleles (0.0041%); highest among the groups gnomAD compares: Non-Finnish European, 0.0051%; no homozygotes.

Submissions (2):

CeGaT Center for Human Genetics Tuebingen
Classification: Likely benign. Last evaluated: 2023-12-01. Review status: criteria provided, single submitter. Criteria: CeGaT Center For Human Genetics Tuebingen Variant Classification Criteria Version 2. Collection method: clinical testing. Allele origin: germline. Affected: yes. Observed: 1 variant allele.
Comment: OTOG: BP4, BP7

Labcorp Genetics (formerly Invitae), Labcorp
Classification: Likely benign. Last evaluated: 2023-07-18. Review status: criteria provided, single submitter. Criteria: Invitae Variant Classification Sherloc (09022015). Collection method: clinical testing. Allele origin: germline.

NM_001292063.2(OTOG):c.3684G>A (p.Pro1228=)

Gene: OTOG (otogelin; plus strand). Cytogenetic location: 11p15.1.
Variant type: single nucleotide variant.
Coding change: c.3684G>A on transcript NM_001292063.2 (MANE Select); coding-DNA position 3684, G replaced by A.
Protein change: p.Pro1228=; no amino-acid change (proline 1228 retained).
Molecular consequence: synonymous variant.
Genome position (GRCh38, 1-based): chr11:17,599,672, G>A. VCF-style: chr11-17599672-G-A. GRCh37 (hg19) VCF-style: chr11-17621219-G-A.
Other names: c.3720G>A, p.Pro1240= (NM_001277269.2).
Identifiers: ClinVar variation 2672462 (VCV002672462.26), dbSNP rs755990926, ClinGen allele CA218463751.